The following is an entry in ClinVar:

NM_006946.4(SPTBN2):c.3282G>A (p.Pro1094=)

Gene: SPTBN2 (spectrin beta, non-erythrocytic 2; minus strand). Cytogenetic location: 11q13.2.
Variant type: single nucleotide variant.
Coding change: c.3282G>A on transcript NM_006946.4 (MANE Select); coding-DNA position 3282, G replaced by A.
Protein change: p.Pro1094=; no amino-acid change (proline 1094 retained).
Molecular consequence: synonymous variant.
Genome position (GRCh38, 1-based): chr11:66,700,817, C>T on the plus strand (G>A on the coding strand, the complement: SPTBN2 is on the minus strand). VCF-style: chr11-66700817-C-T. GRCh37 (hg19) VCF-style: chr11-66468288-C-T.
Other names: p.Pro1094=; c.3282G>A (NM_006946.3).
Identifiers: ClinVar variation 194644 (VCV000194644.24), dbSNP rs114241603, ClinGen allele CA201279.

ClinVar aggregate classification (germline): Benign/Likely benign. Review status: criteria provided, multiple submitters, no conflicts (2 of 4 stars). 7 submissions from 7 submitters: Benign (4); Likely benign (3). Last evaluated 2026-01-26.

Allele frequency attached by ClinVar (database versions not stated): gnomAD exomes 0.00048 and 0.00117; ExAC 0.00160; 1000 Genomes Project 30x 0.00406; 1000 Genomes Project 0.00419; gnomAD 0.00441 and 0.00477; ESP Exome Variant Server 0.00502; TOPMed 0.00527.
gnomAD v4.1: 1,391 of 1,600,478 alleles (0.087%); highest among the groups gnomAD compares: African/African-American, 1.6%; 10 homozygotes.

Submissions (7):

Labcorp Genetics (formerly Invitae), Labcorp
Classification: Benign. Last evaluated: 2026-01-26. Review status: criteria provided, single submitter. Criteria: Invitae Variant Classification Sherloc (09022015). Collection method: clinical testing. Allele origin: germline.

Mayo Clinic Laboratories, Mayo Clinic
Classification: Benign. Last evaluated: 2025-04-23. Review status: criteria provided, single submitter. Criteria: ACMG Guidelines, 2015. Collection method: clinical testing. Allele origin: germline. Observed: 2 variant alleles.
Comment: BS1, BS2, BP4, BP7

Athena Diagnostics
Classification: Benign. Last evaluated: 2025-02-04. Review status: criteria provided, single submitter. Criteria: Athena Diagnostics Criteria. Collection method: clinical testing. Allele origin: unknown.
Comment: The frequency of this variant in the general population is higher than would generally be expected for pathogenic variants in this gene. Computational tools yielded predictions that this variant is unlikely to have an effect on normal RNA splicing. This nucleotide position exhibits low evolutionary conservation.

Blueprint Genetics
Classification: Likely benign. Last evaluated: 2024-10-24. Review status: criteria provided, single submitter. Criteria: ACMG Guidelines, 2015. Collection method: clinical testing. Allele origin: germline.

GeneDx
Classification: Likely benign. Last evaluated: 2024-05-29. Review status: criteria provided, single submitter. Criteria: GeneDx Variant Classification Process June 2021. Collection method: clinical testing. Allele origin: germline.
Comment: See Variant Classification Assertion Criteria.

Eurofins Ntd Llc (ga)
Classification: Benign. Last evaluated: 2014-12-05. Review status: criteria provided, single submitter. Criteria: EGL Classification Definitions 2015. Collection method: clinical testing. Allele origin: germline. Observed: 1 variant allele, 1 heterozygote.

Breakthrough Genomics
Classification: Likely benign. Review status: criteria provided, single submitter. Criteria: ACMG Guidelines, 2015. Collection method: not provided. Allele origin: germline. Inheritance: Autosomal recessive inheritance. Affected: yes.